The following is an entry in ClinVar:

NM_030665.4(RAI1):c.1782T>C (p.Cys594=)

Gene: RAI1 (retinoic acid induced 1; plus strand). Cytogenetic location: 17p11.2.
Variant type: single nucleotide variant.
Coding change: c.1782T>C on transcript NM_030665.4 (MANE Select); coding-DNA position 1782, T replaced by C.
Protein change: p.Cys594=; no amino-acid change (cysteine 594 retained).
Molecular consequence: synonymous variant.
Genome position (GRCh38, 1-based): chr17:17,794,730, T>C. VCF-style: chr17-17794730-T-C. GRCh37 (hg19) VCF-style: chr17-17698044-T-C.
Identifiers: ClinVar variation 3355190 (VCV003355190.2).
Genomic context (GRCh38, chr17:17,794,730, plus strand): 5'-CCTACACGGCAGTCTGCCGCTCGACAGCTTCTCCAAGTTCGTGGCGGGTGAGCGGGACTG[T>C]CCGCGGCTGCTGCTCAGCGCCCTGGCACAGGAGGACCTGGCCTCCGAGATCCTGGGGCTG-3'
Protein context (NP_109590.3, residues 584-604): FSKFVAGERD[Cys594=]PRLLLSALAQ

ClinVar aggregate classification (germline): Likely benign. Review status: criteria provided, single submitter (1 of 4 stars). 2 submissions from 2 submitters: Likely benign (1). 1 of the submissions does not count toward it. Last evaluated 2025-02-06.

Conditions:
RAI1-related disorder. Also called: RAI1-related condition.

gnomAD v4.1: 2 of 1,611,590 alleles (0.00012%); highest among the groups gnomAD compares: Non-Finnish European, 0.00017%; no homozygotes.

Submissions (2):

Labcorp Genetics (formerly Invitae), Labcorp
Classification: Likely benign. Last evaluated: 2025-02-06. Review status: criteria provided, single submitter. Criteria: Invitae Variant Classification Sherloc (09022015). Collection method: clinical testing. Allele origin: germline.

PreventionGenetics, part of Exact Sciences
Classification: Likely benign for RAI1-related condition. Last evaluated: 2020-12-28. Review status: no assertion criteria provided. Collection method: clinical testing. Allele origin: germline. Not counted in ClinVar's aggregate classification.
Comment: This variant is classified as likely benign based on ACMG/AMP sequence variant interpretation guidelines (Richards et al. 2015 PMID: 25741868, with internal and published modifications).